The following is an entry in ClinVar:

ClinVar aggregate classification (germline): Uncertain significance (1 of 4 stars; one submission).

Allele frequency attached by ClinVar (database versions not stated): gnomAD exomes below 0.00001.

Submission:

Labcorp Genetics (formerly Invitae), Labcorp
Classification: Uncertain significance. Last evaluated: 2022-06-18. Review status: criteria provided, single submitter. Criteria: Invitae Variant Classification Sherloc (09022015). Collection method: clinical testing. Allele origin: germline.
Comment: Experimental studies and prediction algorithms are not available or were not evaluated, and the effect of this variant on mRNA splicing is currently unknown. This sequence change affects codon 413 of the THBD mRNA. It is a 'silent' change, meaning that it does not change the encoded amino acid sequence of the THBD protein. This variant is present in population databases (no rsID available, gnomAD 0.003%). This variant has not been reported in the literature in individuals affected with THBD-related conditions. In summary, the available evidence is currently insufficient to determine the role of this variant in disease. Therefore, it has been classified as a Variant of Uncertain Significance.

NM_000361.3(THBD):c.1239T>C (p.Cys413=)

Gene: THBD (thrombomodulin; minus strand). Cytogenetic location: 20p11.21.
Variant type: single nucleotide variant.
Coding change: c.1239T>C on transcript NM_000361.3 (MANE Select); coding-DNA position 1239, T replaced by C.
Protein change: p.Cys413=; no amino-acid change (cysteine 413 retained).
Molecular consequence: synonymous variant.
Genome position (GRCh38, 1-based): chr20:23,048,266, A>G on the plus strand (T>C on the coding strand, the complement: THBD is on the minus strand). VCF-style: chr20-23048266-A-G. GRCh37 (hg19) VCF-style: chr20-23028903-A-G.
Identifiers: ClinVar variation 2008145 (VCV002008145.4), dbSNP rs1393443211, ClinGen allele CA510160133.